The following is an entry in ClinVar:

NM_015338.6(ASXL1):c.2620C>A (p.Pro874Thr)

Gene: ASXL1 (ASXL transcriptional regulator 1; plus strand). Cytogenetic location: 20q11.21.
Variant type: single nucleotide variant.
Coding change: c.2620C>A on transcript NM_015338.6 (MANE Select); coding-DNA position 2620, C replaced by A.
Protein change: p.Pro874Thr; replaces proline 874 with threonine.
Molecular consequence: missense variant.
Genome position (GRCh38, 1-based): chr20:32,435,332, C>A. VCF-style: chr20-32435332-C-A. GRCh37 (hg19) VCF-style: chr20-31023135-C-A.
Other names: c.2437C>A, p.Pro813Thr (NM_001363734.1); short protein forms P813T, P874T.
Identifiers: ClinVar variation 4827420 (VCV004827420.1).
Genomic context (GRCh38, chr20:32,435,332, plus strand): 5'-ACTGATTGCCTGCAGAACAGAGCATTTGATGACGAATTAGGGCTTGGTGGCTCATGCCCT[C>A]CTATGAGGGAAAGTGATACTAGACAAGAAAACTTGAAAACCAAGGCTCTCGTTTCTAACA-3'
Protein context (NP_056153.2, residues 864-884): DELGLGGSCP[Pro874Thr]MRESDTRQEN

ClinVar aggregate classification (germline): Uncertain significance (1 of 4 stars; one submission).

Conditions:
Inborn genetic diseases. Identifiers: MedGen C0950123, MeSH D030342.

gnomAD v4.1: 3 of 1,614,030 alleles (0.00019%); highest among the groups gnomAD compares: African/African-American, 0.004%; no homozygotes.

Submission:

Ambry Genetics
Classification: Uncertain significance for Inborn genetic diseases. Last evaluated: 2026-03-07. Review status: criteria provided, single submitter. Criteria: Ambry Variant Classification Scheme 2023. Collection method: clinical testing. Allele origin: germline.
Comment: The p.P874T variant (also known as c.2620C>A), located in coding exon 13 of the ASXL1 gene, results from a C to A substitution at nucleotide position 2620. The proline at codon 874 is replaced by threonine, an amino acid with highly similar properties. This amino acid position is conserved. In addition, this alteration is predicted to be tolerated by in silico analysis. Based on the available evidence, the clinical significance of this variant remains unclear.